The following is an entry in ClinVar:

NM_001352514.2(HLCS):c.2128_2135delinsTAAAGGGTGA (p.Asn710_Arg712delinsTer)

Gene: HLCS (holocarboxylase synthetase; minus strand). Cytogenetic location: 21q22.13.
Variant type: Indel.
Coding change: c.2128_2135delinsTAAAGGGTGA on transcript NM_001352514.2 (MANE Select); coding-DNA positions 2128 to 2135, AACTTACG replaced by TAAAGGGTGA.
Protein change: p.Asn710_Arg712delinsTer.
Molecular consequence: nonsense. On other transcripts: non-coding transcript variant (2).
Genome position (GRCh38, 1-based): chr21:36,759,828-36,759,835, CGTAAGTT replaced by TCACCCTTTA on the plus strand (AACTTACG replaced by TAAAGGGTGA on the coding strand, the reverse complement: HLCS is on the minus strand). VCF-style: chr21-36759828-CGTAAGTT-TCACCCTTTA. GRCh37 (hg19) VCF-style: chr21-38132129-CGTAAGTT-TCACCCTTTA.
Other names: c.1687_1694delinsTAAAGGGTGA, p.Asn563_Arg565delinsTer (NM_000411.8, NM_001242784.3, NM_001242785.2 and 4 more transcripts).
Identifiers: ClinVar variation 2087682 (VCV002087682.4), dbSNP rs2516853656, ClinGen allele CA2580098674.

ClinVar aggregate classification (germline): Pathogenic (1 of 4 stars; one submission).

Conditions:
Holocarboxylase synthetase deficiency. Also called: MULTIPLE CARBOXYLASE DEFICIENCY, EARLY ONSET. Identifiers: Orphanet 79242, MedGen C0268581, MONDO:0009666, OMIM 253270.

Submission:

Labcorp Genetics (formerly Invitae), Labcorp
Classification: Pathogenic for Holocarboxylase synthetase deficiency. Last evaluated: 2022-01-18. Review status: criteria provided, single submitter. Criteria: Invitae Variant Classification Sherloc (09022015). Collection method: clinical testing. Allele origin: germline.
Comment: This variant has not been reported in the literature in individuals affected with HLCS-related conditions. This variant is not present in population databases (gnomAD no frequency). This sequence change creates a premature translational stop signal (p.Asn563*) in the HLCS gene. It is expected to result in an absent or disrupted protein product. Loss-of-function variants in HLCS are known to be pathogenic (PMID: 16134170). For these reasons, this variant has been classified as Pathogenic. Algorithms developed to predict the effect of sequence changes on RNA splicing suggest that this variant may create or strengthen a splice site.

Literature cited by the submitters: PubMed 16134170.